The following is an entry in ClinVar:

NM_022072.5(NSUN3):c.335A>C (p.Lys112Thr)

Gene: NSUN3 (NOP2/Sun RNA methyltransferase 3; plus strand). Cytogenetic location: 3q11.2.
Variant type: single nucleotide variant.
Coding change: c.335A>C on transcript NM_022072.5 (MANE Select); coding-DNA position 335, A replaced by C.
Protein change: p.Lys112Thr; replaces lysine 112 with threonine.
Molecular consequence: missense variant.
Genome position (GRCh38, 1-based): chr3:94,084,319, A>C. VCF-style: chr3-94084319-A-C. GRCh37 (hg19) VCF-style: chr3-93803163-A-C.
Other names: short protein forms K112T.
Identifiers: ClinVar variation 3606977 (VCV003606977.2).

ClinVar aggregate classification (germline): Uncertain significance (1 of 4 stars; one submission).

gnomAD v4.1: 3 of 1,614,118 alleles (0.00019%); highest among the groups gnomAD compares: Admixed American, 0.005%; no homozygotes.

Submission:

Labcorp Genetics (formerly Invitae), Labcorp
Classification: Uncertain significance. Last evaluated: 2024-04-03. Review status: criteria provided, single submitter. Criteria: Invitae Variant Classification Sherloc (09022015). Collection method: clinical testing. Allele origin: germline.
Comment: This sequence change replaces lysine, which is basic and polar, with threonine, which is neutral and polar, at codon 112 of the NSUN3 protein (p.Lys112Thr). This variant is present in population databases (no rsID available, gnomAD 0.003%). This variant has not been reported in the literature in individuals affected with NSUN3-related conditions. An algorithm developed to predict the effect of missense changes on protein structure and function (PolyPhen-2) suggests that this variant is likely to be tolerated. In summary, the available evidence is currently insufficient to determine the role of this variant in disease. Therefore, it has been classified as a Variant of Uncertain Significance.